The following is an entry in ClinVar:

ClinVar aggregate classification (germline): Pathogenic (1 of 4 stars; one submission).

Conditions:
Ornithine aminotransferase deficiency (GACR). Also called: Ornithine ketoacid aminotransferase deficiency; Gyrate atrophy; HYPERORNITHINEMIA WITH GYRATE ATROPHY OF CHOROID AND RETINA; OAT DEFICIENCY; OKT DEFICIENCY; Gyrate atrophy of choroid and retina. Identifiers: Orphanet 414, MedGen C0018425, MONDO:0009796, OMIM 258870.

Submission:

Myriad Genetics, Inc.
Classification: Pathogenic for Ornithine aminotransferase deficiency. Last evaluated: 2025-07-14. Review status: criteria provided, single submitter. Criteria: Myriad Autosomal Dominant, Autosomal Recessive and X-Linked Classification Criteria (2023). Collection method: clinical testing. Allele origin: unknown.
Comment: NM_000274.3(OAT):c.883delT(S295Lfs*18) is expected to be pathogenic in the context of ornithine aminotransferase deficiency. This variant is predicted to lead to an abnormal or absent protein product due to the creation of a premature termination codon in OAT, a gene where loss-of-function variants are known to be pathogenic. Please note: this variant was assessed in the context of healthy population screening.

NM_000274.4(OAT):c.883del (p.Ser295fs)

Gene: OAT (ornithine aminotransferase; minus strand). Cytogenetic location: 10q26.13.
Variant type: Deletion.
Coding change: c.883del on transcript NM_000274.4 (MANE Select); coding-DNA position 883, one base deleted (T; older notation c.883delT).
Protein change: p.Ser295fs; shifts the reading frame from serine 295.
Molecular consequence: frameshift variant.
Genome position (GRCh38, 1-based): chr10:124,402,944, A deleted on the plus strand (T on the coding strand, the reverse complement: OAT is on the minus strand); the first of 3 consecutive A bases (chr10:124,402,944-124,402,946); deleting any one gives the same sequence. VCF-style (leftmost placement, unchanged base first): chr10-124402943-GA-G. GRCh37 (hg19) VCF-style: chr10-126091512-GA-G.
Other names: c.469del, p.Ser157fs (NM_001171814.2); c.883del, p.Ser295fs (NM_001322965.2, NM_001322966.2, NM_001322967.2 and 3 more transcripts); c.562del, p.Ser188fs (NM_001322971.2); c.283del, p.Ser95fs (NM_001322974.2); short protein forms S157fs, S188fs, S295fs, S95fs.
Identifiers: ClinVar variation 5014731 (VCV005014731.1).